The following is an entry in ClinVar:

ClinVar aggregate classification (germline): Likely benign. Review status: criteria provided, multiple submitters, no conflicts (2 of 4 stars). 2 submissions from 2 submitters: Likely benign (2). Last evaluated 2025-06-20.

Allele frequency attached by ClinVar (database versions not stated): gnomAD exomes 0.00003; gnomAD 0.00005; TOPMed 0.00005; ExAC 0.00007.
gnomAD v4.1: 57 of 1,606,230 alleles (0.0035%); highest among the groups gnomAD compares: Non-Finnish European, 0.0045%; no homozygotes.

Submissions (2):

Labcorp Genetics (formerly Invitae), Labcorp
Classification: Likely benign. Last evaluated: 2025-06-20. Review status: criteria provided, single submitter. Criteria: Invitae Variant Classification Sherloc (09022015). Collection method: clinical testing. Allele origin: germline.

CeGaT Center for Human Genetics Tuebingen
Classification: Likely benign. Last evaluated: 2023-11-01. Review status: criteria provided, single submitter. Criteria: CeGaT Center For Human Genetics Tuebingen Variant Classification Criteria Version 2. Collection method: clinical testing. Allele origin: germline. Affected: yes. Observed: 2 variant alleles.
Comment: RTTN: BP4, BP7

NM_173630.4(RTTN):c.1215T>C (p.Val405=)

Gene: RTTN (rotatin; minus strand). Cytogenetic location: 18q22.2.
Variant type: single nucleotide variant.
Coding change: c.1215T>C on transcript NM_173630.4 (MANE Select); coding-DNA position 1215, T replaced by C.
Protein change: p.Val405=; no amino-acid change (valine 405 retained).
Molecular consequence: synonymous variant. On other transcripts: 5 prime UTR variant (1).
Genome position (GRCh38, 1-based): chr18:70,188,198, A>G on the plus strand (T>C on the coding strand, the complement: RTTN is on the minus strand). VCF-style: chr18-70188198-A-G. GRCh37 (hg19) VCF-style: chr18-67855434-A-G.
Other names: c.-1339T>C (NM_001318520.2).
Identifiers: ClinVar variation 2187801 (VCV002187801.28), dbSNP rs200114964, ClinGen allele CA8996238.
Genomic context (GRCh38, chr18:70,188,198, plus strand): 5'-CCAGATATCTGTTGAAATTGCTTCACCAATAAGTGTCATATCCTCTGTAAGCAATTCCAG[A>G]ACTCTTATTATCACTTGTCTGCTACCTAGGAATACAAACAGAAAAAAGTAAAGGAGAAGA-3'
Protein context (NP_775901.3, residues 395-415): RTGSRQVIIR[Val405=]LELLTEDMTL